The following is an entry in ClinVar:

NM_000218.3(KCNQ1):c.1732+4G>A

Gene: KCNQ1 (potassium voltage-gated channel subfamily Q member 1; plus strand). Cytogenetic location: 11p15.5.
Variant type: single nucleotide variant.
Coding change: c.1732+4G>A on transcript NM_000218.3 (MANE Select); 4 bases into the intron after coding-DNA position 1732, G replaced by A.
Molecular consequence: intron variant.
Genome position (GRCh38, 1-based): chr11:2,777,036, G>A. VCF-style: chr11-2777036-G-A. GRCh37 (hg19) VCF-style: chr11-2798266-G-A.
Other names: c.1462+4G>A (NM_001406837.1); c.1636+4G>A (NM_001406836.1); c.1192+4G>A (NM_001406838.1); c.1351+4G>A (NM_181798.2).
Identifiers: ClinVar variation 923444 (VCV000923444.8), dbSNP rs1846720105, ClinGen allele CA934479784.

ClinVar aggregate classification (germline): Conflicting classifications of pathogenicity. Review status: criteria provided, conflicting classifications (1 of 4 stars). 3 submissions from 3 submitters: Uncertain significance (2); Likely benign (1). Last evaluated 2025-05-14.

Conditions:
Cardiac arrhythmia. Also called: Arrhythmia; Cardiac rhythm disease. Identifiers: MedGen C0003811, MONDO:0007263, HP:0011675.
Long QT syndrome (LQTS). Identifiers: MedGen C0023976, MeSH D008133, MONDO:0002442. Disease mechanism: loss of function. Inheritance: Various modes of inheritance.
Cardiovascular phenotype. Identifiers: MedGen CN230736.

Allele frequency attached by ClinVar (database versions not stated): TOPMed below 0.00001; gnomAD 0.00001; gnomAD exomes 0.00001.
gnomAD v4.1: 8 of 1,613,930 alleles (0.0005%); highest among the groups gnomAD compares: Non-Finnish European, 0.00068%; no homozygotes.

Submissions (3):

Ambry Genetics
Classification: Uncertain significance for Cardiovascular phenotype. Last evaluated: 2025-05-14. Review status: criteria provided, single submitter. Criteria: Ambry Variant Classification Scheme 2023. Collection method: clinical testing. Allele origin: germline.
Comment: The c.1732+4G>A intronic variant results from a G to A substitution 4 nucleotides after coding exon 14 in the KCNQ1 gene. This nucleotide position is not well conserved in available vertebrate species. In silico splice site analysis predicts that this alteration will not have any significant effect on splicing. Based on the available evidence, the clinical significance of this variant remains unclear.

Labcorp Genetics (formerly Invitae), Labcorp
Classification: Uncertain significance for Long QT syndrome. Last evaluated: 2024-06-15. Review status: criteria provided, single submitter. Criteria: Invitae Variant Classification Sherloc (09022015). Collection method: clinical testing. Allele origin: germline.
Comment: This sequence change falls in intron 14 of the KCNQ1 gene. It does not directly change the encoded amino acid sequence of the KCNQ1 protein. It affects a nucleotide within the consensus splice site. This variant is not present in population databases (gnomAD no frequency). This variant has not been reported in the literature in individuals affected with KCNQ1-related conditions. ClinVar contains an entry for this variant (Variation ID: 923444). Variants that disrupt the consensus splice site are a relatively common cause of aberrant splicing (PMID: 17576681, 9536098). Algorithms developed to predict the effect of sequence changes on RNA splicing suggest that this variant is not likely to affect RNA splicing. In summary, the available evidence is currently insufficient to determine the role of this variant in disease. Therefore, it has been classified as a Variant of Uncertain Significance.

Color Diagnostics, LLC DBA Color Health
Classification: Likely benign for Arrhythmia. Last evaluated: 2019-07-26. Review status: criteria provided, single submitter. Criteria: ACMG Guidelines, 2015. Collection method: clinical testing. Allele origin: germline.

Literature cited by the submitters: PubMed 17576681 (cited by Labcorp Genetics (formerly Invitae), Labcorp); PubMed 9536098 (cited by Labcorp Genetics (formerly Invitae), Labcorp).